The following is an entry in ClinVar:

NM_012193.4(FZD4):c.81GCT[2] (p.Leu31del)

Gene: FZD4 (frizzled class receptor 4; minus strand). Cytogenetic location: 11q14.2.
Variant type: Microsatellite.
Coding change: c.81GCT[2] on transcript NM_012193.4 (MANE Select); two copies in a row of the 3-base unit GCT starting at c.81; the reference has three copies in a row; one copy, 3 bases deleted.
Protein change: p.Leu31del; deletes leucine 31.
Molecular consequence: inframe deletion.
Genome position (GRCh38, 1-based): chr11:86,954,997-86,954,999, AGC deleted on the plus strand (GCT on the coding strand, the reverse complement: FZD4 is on the minus strand); deleting any 3 consecutive bases within chr11:86,954,997-86,955,006 gives the same sequence; the position shown is the placement nearest the transcript's 3' end. VCF-style (leftmost placement, unchanged base first): chr11-86954996-GAGC-G. GRCh37 (hg19) VCF-style: chr11-86666038-GAGC-G.
Other names: short protein forms L31del.
Identifiers: ClinVar variation 1058758 (VCV001058758.9), dbSNP rs766880986, ClinGen allele CA6218533.
Genomic context (GRCh38, chr11:86,954,996, plus strand): 5'-GATGCGGATGGGGTCGCAGCGCCGCTCTTCCTCGTCCCCGAAGCCCCGCGCCGGCCCCAG[GAGC>G]AGCAGCAACTGCAGGAGCAACCCCAGACTGAGACCGACGCCCCCGGGCGCCCCCGGGACG-3'

ClinVar aggregate classification (germline): Uncertain significance (1 of 4 stars; one submission).

Submission:

Labcorp Genetics (formerly Invitae), Labcorp
Classification: Uncertain significance. Last evaluated: 2022-10-13. Review status: criteria provided, single submitter. Criteria: Invitae Variant Classification Sherloc (09022015). Collection method: clinical testing. Allele origin: germline.
Comment: In summary, the available evidence is currently insufficient to determine the role of this variant in disease. Therefore, it has been classified as a Variant of Uncertain Significance. Experimental studies and prediction algorithms are not available or were not evaluated, and the functional significance of this variant is currently unknown. This variant has not been reported in the literature in individuals affected with FZD4-related conditions. This variant is present in population databases (rs766880986, gnomAD 0.003%). This variant, c.87_89del, results in the deletion of 1 amino acid(s) of the FZD4 protein (p.Leu31del), but otherwise preserves the integrity of the reading frame.